The following is an entry in ClinVar:

NM_005591.4(MRE11):c.339T>A (p.Asp113Glu)

Gene: MRE11 (MRE11 double strand break repair nuclease; minus strand). Cytogenetic location: 11q21.
Variant type: single nucleotide variant.
Coding change: c.339T>A on transcript NM_005591.4 (MANE Select); coding-DNA position 339, T replaced by A.
Protein change: p.Asp113Glu; replaces aspartic acid 113 with glutamic acid.
Molecular consequence: missense variant.
Genome position (GRCh38, 1-based): chr11:94,479,737, A>T on the plus strand (T>A on the coding strand, the complement: MRE11 is on the minus strand). VCF-style: chr11-94479737-A-T. GRCh37 (hg19) VCF-style: chr11-94212903-A-T.
Other names: c.339T>A, p.Asp113Glu (NM_001330347.2, NM_005590.4); short protein forms D113E.
Identifiers: ClinVar variation 2586201 (VCV002586201.3), dbSNP rs201584818, ClinGen allele CA382378575.

ClinVar aggregate classification (germline): Uncertain significance (1 of 4 stars; one submission).

Conditions:
Hereditary cancer-predisposing syndrome. Also called: Hereditary neoplastic syndrome; Tumor predisposition; Hereditary Cancer Syndrome; Neoplastic Syndromes, Hereditary. Identifiers: Orphanet 140162, MedGen C0027672, MeSH D009386, MONDO:0015356.

gnomAD v4.1: 1 of 1,612,866 alleles (0.000062%); highest among the groups gnomAD compares: Non-Finnish European, 0.000085%; no homozygotes.

Submission:

Ambry Genetics
Classification: Uncertain significance for Hereditary cancer-predisposing syndrome. Last evaluated: 2025-08-08. Review status: criteria provided, single submitter. Criteria: Ambry Variant Classification Scheme 2023. Collection method: clinical testing. Allele origin: germline.
Comment: The p.D113E variant (also known as c.339T>A), located in coding exon 4 of the MRE11A gene, results from a T to A substitution at nucleotide position 339. The aspartic acid at codon 113 is replaced by glutamic acid, an amino acid with highly similar properties. This amino acid position is conserved. In addition, this alteration is predicted to be deleterious by in silico analysis. Since supporting evidence is limited at this time, the clinical significance of this alteration remains unclear.